The following is an entry in ClinVar:

ClinVar aggregate classification (germline): Uncertain significance (1 of 4 stars; one submission).

Conditions:
MKS1-related disorder. Also called: MKS1-related disorders; MKS1-related condition. Identifiers: MedGen CN239382.

Submission:

PreventionGenetics, part of Exact Sciences
Classification: Uncertain significance for MKS1-related condition. Last evaluated: 2025-03-19. Review status: criteria provided, single submitter. Criteria: ACMG Guidelines, 2015. Collection method: clinical testing. Allele origin: germline.
Comment: The MKS1 c.645-6T>A variant is predicted to interfere with splicing. This variant is predicted to impact splicing based on splicing prediction programs (SpliceAI, Jaganathan K, et al. 2019. PubMed ID: 30661751). To our knowledge, this variant has not been reported in the literature or in a large population database (gnomAD), indicating this variant is rare. At this time, the clinical significance of this variant is uncertain due to the absence of conclusive functional and genetic evidence.

NM_017777.4(MKS1):c.645-6T>A

Gene: MKS1 (MKS transition zone complex subunit 1; minus strand). Cytogenetic location: 17q22.
Variant type: single nucleotide variant.
Coding change: c.645-6T>A on transcript NM_017777.4 (MANE Select); 6 bases into the intron before coding-DNA position 645, T replaced by A.
Molecular consequence: intron variant.
Genome position (GRCh38, 1-based): chr17:58,213,875, A>T on the plus strand (T>A on the coding strand, the complement: MKS1 is on the minus strand). VCF-style: chr17-58213875-A-T. GRCh37 (hg19) VCF-style: chr17-56291236-A-T.
Other names: c.36-6T>A (NM_001321268.2); c.645-6T>A (NM_001330397.2, NM_001321269.2, NM_001411113.1).
Identifiers: ClinVar variation 4998762 (VCV004998762.1).
Genomic context (GRCh38, chr17:58,213,875, plus strand): 5'-ATTGCTATCCACCTTCAGAGTACACAGGACATGTTCATACTTCTTATAGCCAAGCCTAGA[A>T]ATCAGGAAAACACCAAGGTTGAGGTCAATGGTCCTTCAGGGAAACAAGAAGAGATACTGA-3'